The following is an entry in ClinVar:

NM_002693.3(POLG):c.975C>G (p.Pro325=)

Gene: POLG (DNA polymerase gamma, catalytic subunit; minus strand). Cytogenetic location: 15q26.1.
Variant type: single nucleotide variant.
Coding change: c.975C>G on transcript NM_002693.3 (MANE Select); coding-DNA position 975, C replaced by G.
Protein change: p.Pro325=; no amino-acid change (proline 325 retained).
Molecular consequence: synonymous variant.
Genome position (GRCh38, 1-based): chr15:89,328,991, G>C on the plus strand (C>G on the coding strand, the complement: POLG is on the minus strand). VCF-style: chr15-89328991-G-C. GRCh37 (hg19) VCF-style: chr15-89872222-G-C.
Other names: c.975C>G, p.Pro325= (NM_001126131.2).
Identifiers: ClinVar variation 619488 (VCV000619488.46), dbSNP rs551973680, ClinGen allele CA7724988.

ClinVar aggregate classification (germline): Benign/Likely benign. Review status: criteria provided, multiple submitters, no conflicts (2 of 4 stars). 6 submissions from 6 submitters: Benign (1); Likely benign (4). 1 of the submissions does not count toward it. Last evaluated 2025-11-03.

Conditions:
Progressive sclerosing poliodystrophy (MTDPS4A). Also called: Mitochondrial DNA Depletion Syndrome 4A; Mitochondrial DNA depletion syndrome 4A (Alpers type); NEURONAL DEGENERATION OF CHILDHOOD WITH LIVER DISEASE, PROGRESSIVE; Alpers-Huttenlocher Syndrome (AHS); ALPERS PROGRESSIVE INFANTILE POLIODYSTROPHY; Alpers Syndrome. Identifiers: Orphanet 726, MedGen C0205710, MONDO:0008758, OMIM 203700.
POLG-related disorder. Also called: POLG-Related Spectrum Disorders; POLG-related condition; POLG-Related Disorders. Identifiers: MedGen C4763519.

Allele frequency attached by ClinVar (database versions not stated): TOPMed 0.00002.

Submissions (6):

Labcorp Genetics (formerly Invitae), Labcorp
Classification: Likely benign for Progressive sclerosing poliodystrophy. Last evaluated: 2025-11-03. Review status: criteria provided, single submitter. Criteria: Invitae Variant Classification Sherloc (09022015). Collection method: clinical testing. Allele origin: germline.

Athena Diagnostics
Classification: Likely benign. Last evaluated: 2024-08-29. Review status: criteria provided, single submitter. Criteria: Athena Diagnostics Criteria. Collection method: clinical testing. Allele origin: unknown.

CeGaT Center for Human Genetics Tuebingen
Classification: Likely benign. Last evaluated: 2024-06-01. Review status: criteria provided, single submitter. Criteria: CeGaT Center For Human Genetics Tuebingen Variant Classification Criteria Version 2. Collection method: clinical testing. Allele origin: germline. Affected: yes. Observed: 2 variant alleles.
Comment: POLG: BP4, BP7

Wong Mito Lab, Molecular and Human Genetics, Baylor College of Medicine
Classification: Likely benign for Progressive sclerosing poliodystrophy. Last evaluated: 2018-10-01. Review status: criteria provided, single submitter. Criteria: ACMG Guidelines, 2015. Collection method: clinical testing. Allele origin: germline.
Comment: The NM_002693.2:c.975C>G (NP_002684.1:p.Pro325=) [GRCH38: NC_000015.10:g.89328991G>C] variant in POLG gene is interpretated to be a Likely Benign based on ACMG guidelines (PMID: 25741868). This variant meets the following evidence codes reported in the ACMG-guideline. BP4:Computational evidence/predictors indicate no impact on the POLG structure, function, or protein-protein interaction. BP7:The variant is silent with non predicted splice impact. Based on the evidence criteria codes applied, the variant is suggested to be Likely Benign.

GeneDx
Classification: Benign. Last evaluated: 2015-05-11. Review status: criteria provided, single submitter. Criteria: GeneDx Variant Classification Process June 2021. Collection method: clinical testing. Allele origin: germline. Affected: yes.

PreventionGenetics, part of Exact Sciences
Classification: Likely benign for POLG-related condition. Last evaluated: 2019-03-01. Review status: no assertion criteria provided. Collection method: clinical testing. Allele origin: germline. Not counted in ClinVar's aggregate classification.
Comment: This variant is classified as likely benign based on ACMG/AMP sequence variant interpretation guidelines (Richards et al. 2015 PMID: 25741868, with internal and published modifications).